The following is an entry in ClinVar:

ClinVar aggregate classification (germline): Benign/Likely benign. Review status: criteria provided, multiple submitters, no conflicts (2 of 4 stars). 4 submissions from 3 submitters: Benign (3); Likely benign (1). Last evaluated 2025-05-28.

Conditions:
Ehlers-Danlos syndrome, classic type, 1 (EDSCL1). Also called: Ehlers-Danlos Syndrome, Classic Type, COL5A1-Related; EDS I; Ehlers-Danlos syndrome, type 1; EHLERS-DANLOS SYNDROME, GRAVIS TYPE; EHLERS-DANLOS SYNDROME, SEVERE CLASSIC TYPE. Identifiers: MedGen C0268335, MONDO:0019567, OMIM 130000.
Fibromuscular dysplasia, multifocal. Identifiers: MedGen C5543412, MONDO:0859151, OMIM 619329.

Submissions (4):

Labcorp Genetics (formerly Invitae), Labcorp
Classification: Benign for Ehlers-Danlos syndrome, classic type, 1. Last evaluated: 2025-05-28. Review status: criteria provided, single submitter. Criteria: Invitae Variant Classification Sherloc (09022015). Collection method: clinical testing. Allele origin: germline.

Genome-Nilou Lab
Classification: Benign for Ehlers-Danlos syndrome, classic type, 1. Last evaluated: 2022-03-15. Review status: criteria provided, single submitter. Criteria: ACMG Guidelines, 2015. Collection method: clinical testing. Allele origin: germline. Affected: no.

Genome-Nilou Lab
Classification: Benign for Fibromuscular dysplasia, multifocal. Last evaluated: 2022-03-15. Review status: criteria provided, single submitter. Criteria: ACMG Guidelines, 2015. Collection method: clinical testing. Allele origin: germline. Affected: no.

GeneDx
Classification: Likely benign. Last evaluated: 2017-10-31. Review status: criteria provided, single submitter. Criteria: GeneDx Variant Classification (06012015). Collection method: clinical testing. Allele origin: germline. Affected: yes.
Comment: This variant is considered likely benign or benign based on one or more of the following criteria: it is a conservative change, it occurs at a poorly conserved position in the protein, it is predicted to be benign by multiple in silico algorithms, and/or has population frequency not consistent with disease.

NM_000093.5(COL5A1):c.4699-3del

Genes: COL5A1 (collagen type V alpha 1 chain; plus strand), LOC101448202 (uncharacterized LOC101448202; minus strand). Cytogenetic location: 9q34.3.
Variant type: Deletion.
Coding change: c.4699-3del on transcript NM_000093.5 (MANE Select); 3 bases into the intron before coding-DNA position 4699, one base deleted (C; older notation c.4699-3delC).
Molecular consequence: intron variant.
Genome position (GRCh38, 1-based): chr9:134,824,597, C deleted; the last of 5 consecutive C bases (chr9:134,824,593-134,824,597); deleting any one gives the same sequence. VCF-style (leftmost placement, unchanged base first): chr9-134824592-TC-T. GRCh37 (hg19) VCF-style: chr9-137716438-TC-T.
Other names: c.4699-3del (NM_001278074.1); c.4699-3delC (NM_000093.3).
Identifiers: ClinVar variation 513070 (VCV000513070.10), dbSNP rs1554808051, ClinGen allele CA658797355.